The following is an entry in ClinVar:

ClinVar aggregate classification (germline): Uncertain significance (1 of 4 stars; one submission).

Allele frequency attached by ClinVar (database versions not stated): ExAC 0.00001; gnomAD 0.00001; gnomAD exomes 0.00001; TOPMed 0.00002.
gnomAD v4.1: 8 of 1,613,818 alleles (0.0005%); highest among the groups gnomAD compares: Admixed American, 0.01%; no homozygotes.

Submission:

Labcorp Genetics (formerly Invitae), Labcorp
Classification: Uncertain significance. Last evaluated: 2023-08-09. Review status: criteria provided, single submitter. Criteria: Invitae Variant Classification Sherloc (09022015). Collection method: clinical testing. Allele origin: germline.
Comment: This sequence change replaces glutamine, which is neutral and polar, with histidine, which is basic and polar, at codon 1052 of the ZNF687 protein (p.Gln1052His). This variant is present in population databases (rs752536183, gnomAD 0.01%). This variant has not been reported in the literature in individuals affected with ZNF687-related conditions. ClinVar contains an entry for this variant (Variation ID: 1915208). An algorithm developed to predict the effect of missense changes on protein structure and function (PolyPhen-2) suggests that this variant is likely to be tolerated. In summary, the available evidence is currently insufficient to determine the role of this variant in disease. Therefore, it has been classified as a Variant of Uncertain Significance.

NM_020832.3(ZNF687):c.3156G>T (p.Gln1052His)

Gene: ZNF687 (zinc finger protein 687; plus strand). Cytogenetic location: 1q21.3.
Variant type: single nucleotide variant.
Coding change: c.3156G>T on transcript NM_020832.3 (MANE Select); coding-DNA position 3156, G replaced by T.
Protein change: p.Gln1052His; replaces glutamine 1052 with histidine.
Molecular consequence: missense variant.
Genome position (GRCh38, 1-based): chr1:151,290,510, G>T. VCF-style: chr1-151290510-G-T. GRCh37 (hg19) VCF-style: chr1-151262986-G-T.
Other names: c.3156G>T, p.Gln1052His (NM_001304763.2, NM_001304764.2); short protein forms Q1052H.
Identifiers: ClinVar variation 1915208 (VCV001915208.5), dbSNP rs752536183, ClinGen allele CA1088785.
Genomic context (GRCh38, chr1:151,290,510, plus strand): 5'-ACGCACCTTCAGCAGCCGCCTGATCCTAGAGAAACATGTCCAGGTCCGGCACGGCTTGCA[G>T]CTTGGGGCCCAGTCCCCTGGCCGGGGGACCACCTTGGCTCGGGGTTCCAGTGCCAGAGCC-3'
Protein context (NP_065883.1, residues 1042-1062): EKHVQVRHGL[Gln1052His]LGAQSPGRGT